The following is an entry in ClinVar:

NM_005033.3(EXOSC9):c.333A>C (p.Arg111Ser)

Gene: EXOSC9 (exosome component 9; plus strand). Cytogenetic location: 4q27.
Variant type: single nucleotide variant.
Coding change: c.333A>C on transcript NM_005033.3 (MANE Select); coding-DNA position 333, A replaced by C.
Protein change: p.Arg111Ser; replaces arginine 111 with serine.
Molecular consequence: missense variant.
Genome position (GRCh38, 1-based): chr4:121,802,966, A>C. VCF-style: chr4-121802966-A-C. GRCh37 (hg19) VCF-style: chr4-122724121-A-C.
Other names: c.333A>C, p.Arg111Ser (NM_001034194.2); short protein forms R111S.
Identifiers: ClinVar variation 3091228 (VCV003091228.2), dbSNP rs1726913883, ClinGen allele CA358042206.
Genomic context (GRCh38, chr4:121,802,966, plus strand): 5'-TCCTTATAGGCAGTCAGATCTCTTGGTGAAGTTGAATCGACTCATGGAAAGATGTCTAAG[A>C]AATTCGAAGTGTATAGACACTGAGTCTCTCTGTGTTGTTGCTGGTGAAAAGGTGGGGAAT-3'
Protein context (NP_005024.2, residues 101-121): KLNRLMERCL[Arg111Ser]NSKCIDTESL

ClinVar aggregate classification (germline): Uncertain significance. Review status: criteria provided, multiple submitters, no conflicts (2 of 4 stars). 2 submissions from 2 submitters: Uncertain significance (2). Last evaluated 2025-04-15.

Conditions:
Inborn genetic diseases. Identifiers: MedGen C0950123, MeSH D030342.

Allele frequency attached by ClinVar (database versions not stated): gnomAD exomes below 0.00001; TOPMed below 0.00001; gnomAD 0.00001.
gnomAD v4.1: 5 of 1,614,030 alleles (0.00031%); highest among the groups gnomAD compares: Non-Finnish European, 0.00042%; no homozygotes.

Submissions (2):

Labcorp Genetics (formerly Invitae), Labcorp
Classification: Uncertain significance. Last evaluated: 2025-04-15. Review status: criteria provided, single submitter. Criteria: Invitae Variant Classification Sherloc (09022015). Collection method: clinical testing. Allele origin: germline.
Comment: This sequence change replaces arginine, which is basic and polar, with serine, which is neutral and polar, at codon 111 of the EXOSC9 protein (p.Arg111Ser). This variant is not present in population databases (gnomAD no frequency). This variant has not been reported in the literature in individuals affected with EXOSC9-related conditions. ClinVar contains an entry for this variant (Variation ID: 3091228). Invitae Evidence Modeling of protein sequence and biophysical properties (such as structural, functional, and spatial information, amino acid conservation, physicochemical variation, residue mobility, and thermodynamic stability) indicates that this missense variant is expected to disrupt EXOSC9 protein function with a positive predictive value of 80%. In summary, the available evidence is currently insufficient to determine the role of this variant in disease. Therefore, it has been classified as a Variant of Uncertain Significance.

Ambry Genetics
Classification: Uncertain significance for Inborn genetic diseases. Last evaluated: 2024-02-06. Review status: criteria provided, single submitter. Criteria: Ambry Variant Classification Scheme 2023. Collection method: clinical testing. Allele origin: germline.